The following is an entry in ClinVar:

NM_014363.6(SACS):c.7324G>T (p.Glu2442Ter)

Gene: SACS (sacsin molecular chaperone; minus strand). Cytogenetic location: 13q12.12.
Variant type: single nucleotide variant.
Coding change: c.7324G>T on transcript NM_014363.6 (MANE Select); coding-DNA position 7324, G replaced by T.
Protein change: p.Glu2442Ter; replaces glutamic acid 2442 with a stop codon.
Molecular consequence: nonsense.
Genome position (GRCh38, 1-based): chr13:23,336,552, C>A on the plus strand (G>T on the coding strand, the complement: SACS is on the minus strand). VCF-style: chr13-23336552-C-A. GRCh37 (hg19) VCF-style: chr13-23910691-C-A.
Other names: c.6883G>T, p.Glu2295Ter (NM_001278055.2); short protein forms E2295*, E2442*.
Identifiers: ClinVar variation 3340879 (VCV003340879.1).

ClinVar aggregate classification (germline): Likely pathogenic (1 of 4 stars; one submission).

Submission:

GeneDx
Classification: Likely pathogenic. Last evaluated: 2024-01-05. Review status: criteria provided, single submitter. Criteria: GeneDx Variant Classification Process June 2021. Collection method: clinical testing. Allele origin: germline. Affected: yes.
Comment: Nonsense variant predicted to result in protein truncation, as the last 2138 amino acids are lost, and other loss-of-function variants have been reported downstream in HGMD.; Not observed at significant frequency in large population cohorts (gnomAD); Has not been previously published as pathogenic or benign to our knowledge